The following is an entry in ClinVar:

ClinVar aggregate classification (germline): Pathogenic/Likely pathogenic. Review status: criteria provided, multiple submitters, no conflicts (2 of 4 stars). 2 submissions from 2 submitters: Pathogenic (1); Likely pathogenic (1). Last evaluated 2025-04-28.

Conditions:
Polycystic kidney disease, adult type (PKD1). Also called: POLYCYSTIC KIDNEY DISEASE 1 WITH OR WITHOUT POLYCYSTIC LIVER DISEASE; Polycystic Kidney Disease 1, Autosomal Dominant; Polycystic kidney disease 1; Polycystic kidney disease 1, severe; Polycystic Kidney, Autosomal Dominant; POLYCYSTIC KIDNEY DISEASE, ADULT, TYPE I. Identifiers: MedGen C3149841, MONDO:0008263, OMIM 173900.

Allele frequency attached by ClinVar (database versions not stated): gnomAD exomes below 0.00001.
gnomAD v4.1: 1 of 1,517,186 alleles (0.000066%); highest among the groups gnomAD compares: Non-Finnish European, 0.000088%; no homozygotes.

Submissions (2):

Women's Health and Genetics/Laboratory Corporation of America, LabCorp
Classification: Likely pathogenic for Polycystic kidney disease, adult type. Last evaluated: 2025-04-28. Review status: criteria provided, single submitter. Criteria: LabCorp Variant Classification Summary - May 2015. Collection method: clinical testing. Allele origin: germline.
Comment: Variant summary: PKD1 c.1606+5G>A alters a non-conserved nucleotide located close to a canonical splice site and therefore could affect mRNA splicing, leading to a significantly altered protein sequence. Several computational tools predict a significant impact on normal splicing: Two predict the variant abolishes a 5' splicing donor site. Two predict the variant weakens a 5' donor site. Two predict the variant creates a cryptic 5' donor site. However, these predictions have yet to be confirmed by functional studies. The variant was absent in 135224 control chromosomes. c.1606+5G>A has been observed in the heterozygous state in multiple individuals affected with Polycystic Kidney Disease 1 (e.g., Ercoskun_2025, Benson_2021, Zhang_2019). These data indicate that the variant is likely to be associated with disease. To our knowledge, no experimental evidence demonstrating an impact on protein function has been reported. The following publications have been ascertained in the context of this evaluation (PMID: 33454723, 35099770, 39731278, 29633482). ClinVar contains an entry for this variant (Variation ID: 873342). Based on the evidence outlined above, the variant was classified as likely pathogenic.

Cavalleri Lab, Royal College of Surgeons in Ireland
Classification: Pathogenic for Polycystic kidney disease, adult type. Last evaluated: 2020-02-05. Review status: criteria provided, single submitter. Criteria: ACMG Guidelines, 2015. Collection method: research. Allele origin: unknown. Inheritance: Autosomal dominant inheritance. Affected: yes.
Comment: PVS1, PM2, PP4

Literature cited by the submitters: PubMed 33454723 (cited by Women's Health and Genetics/Laboratory Corporation of America, LabCorp); PubMed 35099770 (cited by Women's Health and Genetics/Laboratory Corporation of America, LabCorp); PubMed 39731278 (cited by Women's Health and Genetics/Laboratory Corporation of America, LabCorp); PubMed 29633482 (cited by Women's Health and Genetics/Laboratory Corporation of America, LabCorp).

NM_001009944.3(PKD1):c.1606+5G>A

Gene: PKD1 (polycystin 1, transient receptor potential channel interacting; minus strand). Cytogenetic location: 16p13.3.
Variant type: single nucleotide variant.
Coding change: c.1606+5G>A on transcript NM_001009944.3 (MANE Select); 5 bases into the intron after coding-DNA position 1606, G replaced by A.
Molecular consequence: intron variant.
Genome position (GRCh38, 1-based): chr16:2,116,828, C>T on the plus strand (G>A on the coding strand, the complement: PKD1 is on the minus strand). VCF-style: chr16-2116828-C-T. GRCh37 (hg19) VCF-style: chr16-2166829-C-T.
Other names: c.1606+5G>A (NM_000296.4).
Identifiers: ClinVar variation 873342 (VCV000873342.3), dbSNP rs2092646077, ClinGen allele CA1139664365.
Genomic context (GRCh38, chr16:2,116,828, plus strand): 5'-GCGGGCGCTCGGCAGGCCCCTAACCACAGCCAGCGTCTCAGGCCCCTGCCTGGCCCCCCG[C>T]ACACCTCCGGGCTGCAGCTCGCAGACGTAGCTGTGCGGCGCTGAGCACAGGTCGGTGTTA-3'